The following is an entry in ClinVar:

ClinVar aggregate classification (germline): Uncertain significance (1 of 4 stars; one submission).

Conditions:
Cardiovascular phenotype. Identifiers: MedGen CN230736.

gnomAD v4.1: 1 of 1,612,872 alleles (0.000062%); highest among the groups gnomAD compares: African/African-American, 0.0013%; no homozygotes.

Submission:

Ambry Genetics
Classification: Uncertain significance for Cardiovascular phenotype. Last evaluated: 2021-10-29. Review status: criteria provided, single submitter. Criteria: Ambry Variant Classification Scheme 2023. Collection method: clinical testing. Allele origin: germline.
Comment: The p.V403A variant (also known as c.1208T>C), located in coding exon 8 of the LMF1 gene, results from a T to C substitution at nucleotide position 1208. The valine at codon 403 is replaced by alanine, an amino acid with similar properties. This amino acid position is conserved. In addition, the in silico prediction for this alteration is inconclusive. Since supporting evidence is limited at this time, the clinical significance of this alteration remains unclear.

NM_022773.4(LMF1):c.1208T>C (p.Val403Ala)

Gene: LMF1 (lipase maturation factor 1; minus strand). Cytogenetic location: 16p13.3.
Variant type: single nucleotide variant.
Coding change: c.1208T>C on transcript NM_022773.4 (MANE Select); coding-DNA position 1208, T replaced by C.
Protein change: p.Val403Ala; replaces valine 403 with alanine.
Molecular consequence: missense variant. On other transcripts: non-coding transcript variant (1).
Genome position (GRCh38, 1-based): chr16:870,753, A>G on the plus strand (T>C on the coding strand, the complement: LMF1 is on the minus strand). VCF-style: chr16-870753-A-G. GRCh37 (hg19) VCF-style: chr16-920753-A-G.
Other names: c.557T>C, p.Val186Ala (NM_001352017.2, NM_001352021.2); c.809T>C, p.Val270Ala (NM_001352018.2); c.881T>C, p.Val294Ala (NM_001352019.2); c.1208T>C, p.Val403Ala (NM_001352020.1); short protein forms V186A, V294A, V270A, V403A.
Identifiers: ClinVar variation 1749351 (VCV001749351.2), dbSNP rs757459816, ClinGen allele CA394125972.